The following is an entry in ClinVar:

NM_001286577.2(C2CD3):c.3873A>C (p.Glu1291Asp)

Gene: C2CD3 (C2 domain containing 3 centriole elongation regulator; minus strand). Cytogenetic location: 11q13.4.
Variant type: single nucleotide variant.
Coding change: c.3873A>C on transcript NM_001286577.2 (MANE Select); coding-DNA position 3873, A replaced by C.
Protein change: p.Glu1291Asp; replaces glutamic acid 1291 with aspartic acid.
Molecular consequence: missense variant.
Genome position (GRCh38, 1-based): chr11:74,085,655, T>G on the plus strand (A>C on the coding strand, the complement: C2CD3 is on the minus strand). VCF-style: chr11-74085655-T-G. GRCh37 (hg19) VCF-style: chr11-73796700-T-G.
Other names: c.3873A>C, p.Glu1291Asp (NM_015531.6); short protein forms E1291D.
Identifiers: ClinVar variation 2882101 (VCV002882101.3), dbSNP rs1392348694, ClinGen allele CA381820728.
Genomic context (GRCh38, chr11:74,085,655, plus strand): 5'-GTGACAAGTCATATGGTGCTCACCTGACTTGGTATTTTCATGATAGACAGCAAAAATAAC[T>G]TCTGCAAACTCCAACAACTCTGCTAGGAAACAGGCCTCTCCACTACAGTGCTGAGTCACC-3'
Protein context (NP_001273506.1, residues 1281-1301): CFLAELLEFA[Glu1291Asp]VIFAVYHENT

ClinVar aggregate classification (germline): Uncertain significance (1 of 4 stars; one submission).

Allele frequency attached by ClinVar (database versions not stated): gnomAD exomes below 0.00001; TOPMed below 0.00001; gnomAD 0.00001.
gnomAD v4.1: 3 of 1,614,030 alleles (0.00019%); highest among the groups gnomAD compares: Non-Finnish European, 0.00025%; no homozygotes.

Submission:

Labcorp Genetics (formerly Invitae), Labcorp
Classification: Uncertain significance. Last evaluated: 2022-12-21. Review status: criteria provided, single submitter. Criteria: Invitae Variant Classification Sherloc (09022015). Collection method: clinical testing. Allele origin: germline.
Comment: This variant is not present in population databases (gnomAD no frequency). In summary, the available evidence is currently insufficient to determine the role of this variant in disease. Therefore, it has been classified as a Variant of Uncertain Significance. Advanced modeling of protein sequence and biophysical properties (such as structural, functional, and spatial information, amino acid conservation, physicochemical variation, residue mobility, and thermodynamic stability) performed at Invitae indicates that this missense variant is expected to disrupt C2CD3 protein function. This variant has not been reported in the literature in individuals affected with C2CD3-related conditions. This sequence change replaces glutamic acid, which is acidic and polar, with aspartic acid, which is acidic and polar, at codon 1291 of the C2CD3 protein (p.Glu1291Asp).